The following is an entry in ClinVar:

NM_013447.4(ADGRE2):c.2048G>A (p.Gly683Glu)

Gene: ADGRE2 (adhesion G protein-coupled receptor E2; minus strand). Cytogenetic location: 19p13.12.
Variant type: single nucleotide variant.
Coding change: c.2048G>A on transcript NM_013447.4 (MANE Select); coding-DNA position 2048, G replaced by A.
Protein change: p.Gly683Glu; replaces glycine 683 with glutamic acid.
Molecular consequence: missense variant.
Genome position (GRCh38, 1-based): chr19:14,746,939, C>T on the plus strand (G>A on the coding strand, the complement: ADGRE2 is on the minus strand). VCF-style: chr19-14746939-C-T. GRCh37 (hg19) VCF-style: chr19-14857751-C-T.
Other names: c.1874G>A, p.Gly625Glu (NM_001271052.1); c.1901G>A, p.Gly634Glu (NM_152916.2); c.1769G>A, p.Gly590Glu (NM_152917.2); c.2048G>A (NM_013447.2); short protein forms G625E, G634E, G590E, G683E.
Identifiers: ClinVar variation 2892577 (VCV002892577.4), dbSNP rs377637436, ClinGen allele CA9257510.

ClinVar aggregate classification (germline): Uncertain significance. Review status: criteria provided, multiple submitters, no conflicts (2 of 4 stars). 2 submissions from 2 submitters: Uncertain significance (2). Last evaluated 2025-07-14.

Allele frequency attached by ClinVar (database versions not stated): TOPMed 0.00011; ESP Exome Variant Server 0.00015; ExAC 0.00004; gnomAD 0.00010; gnomAD exomes 0.00002.
gnomAD v4.1: 28 of 1,613,312 alleles (0.0017%); highest among the groups gnomAD compares: African/African-American, 0.024%; no homozygotes.

Submissions (2):

Labcorp Genetics (formerly Invitae), Labcorp
Classification: Uncertain significance. Last evaluated: 2025-07-14. Review status: criteria provided, single submitter. Criteria: Invitae Variant Classification Sherloc (09022015). Collection method: clinical testing. Allele origin: germline.
Comment: This sequence change replaces glycine, which is neutral and non-polar, with glutamic acid, which is acidic and polar, at codon 683 of the ADGRE2 protein (p.Gly683Glu). This variant is present in population databases (rs377637436, gnomAD 0.04%). This variant has not been reported in the literature in individuals affected with ADGRE2-related conditions. ClinVar contains an entry for this variant (Variation ID: 2892577). An algorithm developed to predict the effect of missense changes on protein structure and function (PolyPhen-2) suggests that this variant is likely to be disruptive. In summary, the available evidence is currently insufficient to determine the role of this variant in disease. Therefore, it has been classified as a Variant of Uncertain Significance.

Ambry Genetics
Classification: Uncertain significance. Last evaluated: 2024-12-30. Review status: criteria provided, single submitter. Criteria: Ambry Variant Classification Scheme 2023. Collection method: clinical testing. Allele origin: germline.